The following is an entry in ClinVar:

NM_001123385.2(BCOR):c.2858_2859del (p.Lys953fs)

Gene: BCOR (BCL6 corepressor; minus strand). Cytogenetic location: Xp11.4.
Variant type: Deletion.
Coding change: c.2858_2859del on transcript NM_001123385.2 (MANE Select); coding-DNA positions 2858 to 2859, 2 bases deleted (AA; older notation c.2858_2859delAA).
Protein change: p.Lys953fs; shifts the reading frame from lysine 953.
Molecular consequence: frameshift variant.
Genome position (GRCh38, 1-based): chrX:40,072,487-40,072,488, TT deleted on the plus strand (AA on the coding strand, the reverse complement: BCOR is on the minus strand); deleting any 2 consecutive bases within chrX:40,072,487-40,072,489 gives the same sequence; the c. name uses the placement nearest the transcript's 3' end. VCF-style (leftmost placement, unchanged base first): chrX-40072486-CTT-C. GRCh37 (hg19) VCF-style: chrX-39931739-CTT-C.
Other names: c.2858_2859del (NM_017745.5); c.2857_2858delAA, p.Lys953Serfs (NM_001123383.2); c.2858_2859del, p.Lys953fs (NM_001123384.2, NM_017745.6); short protein forms K953fs.
Identifiers: ClinVar variation 657302 (VCV000657302.10), dbSNP rs1602147278, ClinGen allele CA915950950.

ClinVar aggregate classification (germline): Pathogenic (1 of 4 stars; one submission).

Conditions:
Oculofaciocardiodental syndrome (MCOPS2). Identifiers: Orphanet 2712, MedGen C1846265, MONDO:0010261, OMIM 300166.

Submission:

Labcorp Genetics (formerly Invitae), Labcorp
Classification: Pathogenic for Oculofaciocardiodental syndrome. Last evaluated: 2019-01-19. Review status: criteria provided, single submitter. Criteria: Invitae Variant Classification Sherloc (09022015). Collection method: clinical testing. Allele origin: germline.
Comment: For these reasons, this variant has been classified as Pathogenic. Loss-of-function variants in BCOR are known to be pathogenic (PMID: 15004558, 19367324). This variant has been observed in an individual affected with oculofaciocardiodental (OFCD) syndrome (PMID: 21740180). This variant is not present in population databases (ExAC no frequency). This sequence change creates a premature translational stop signal (p.Lys953Serfs*8) in the BCOR gene. It is expected to result in an absent or disrupted protein product.

Literature cited by the submitters: PubMed 15004558; PubMed 19367324; PubMed 21740180.